The following is an entry in ClinVar:

NM_001037283.2(EIF3B):c.2369A>G (p.Asn790Ser)

Gene: EIF3B (eukaryotic translation initiation factor 3 subunit B; plus strand). Cytogenetic location: 7p22.3.
Variant type: single nucleotide variant.
Coding change: c.2369A>G on transcript NM_001037283.2 (MANE Select); coding-DNA position 2369, A replaced by G.
Protein change: p.Asn790Ser; replaces asparagine 790 with serine.
Molecular consequence: missense variant.
Genome position (GRCh38, 1-based): chr7:2,379,421, A>G. VCF-style: chr7-2379421-A-G. GRCh37 (hg19) VCF-style: chr7-2419056-A-G.
Other names: c.2369A>G, p.Asn790Ser (NM_001362791.2, NM_003751.4); c.1553A>G, p.Asn518Ser (NM_001362792.2, NM_001362793.2); short protein forms N518S, N790S.
Identifiers: ClinVar variation 5037417 (VCV005037417.1).

ClinVar aggregate classification (germline): Uncertain significance (1 of 4 stars; one submission).

gnomAD v4.1: 1 of 1,593,626 alleles (0.000063%); highest among the groups gnomAD compares: Non-Finnish European, 0.000085%; no homozygotes.

Submission:

GeneDx
Classification: Uncertain significance. Last evaluated: 2026-04-21. Review status: criteria provided, single submitter. Criteria: GeneDx Variant Classification Process June 2021. Collection method: clinical testing. Allele origin: germline.
Comment: Not observed at significant frequency in large population cohorts (gnomAD); In silico analysis suggests that this missense variant does not alter protein structure/function; Has not been previously published as pathogenic or benign to our knowledge.